The following is an entry in ClinVar:

ClinVar aggregate classification (germline): Uncertain significance. Review status: criteria provided, multiple submitters, no conflicts (2 of 4 stars). 2 submissions from 2 submitters: Uncertain significance (2). Last evaluated 2025-01-01.

Conditions:
Inborn genetic diseases. Identifiers: MedGen C0950123, MeSH D030342.
Glycogen storage disease due to muscle and heart glycogen synthase deficiency. Also called: GSD 0b; MUSCLE GLYCOGEN SYNTHASE DEFICIENCY. Identifiers: Orphanet 137625, MedGen C1969054, MONDO:0012693, OMIM 611556.

Allele frequency attached by ClinVar (database versions not stated): gnomAD 0.00001; ExAC 0.00002; gnomAD exomes 0.00002 and 0.00004; TOPMed 0.00003.
gnomAD v4.1: 61 of 1,613,670 alleles (0.0038%); highest among the groups gnomAD compares: Middle Eastern, 0.033%; no homozygotes.

Submissions (2):

Ambry Genetics
Classification: Uncertain significance for Inborn genetic diseases. Last evaluated: 2025-01-01. Review status: criteria provided, single submitter. Criteria: Ambry Variant Classification Scheme 2023. Collection method: clinical testing. Allele origin: germline.

Labcorp Genetics (formerly Invitae), Labcorp
Classification: Uncertain significance for Glycogen storage disease due to muscle and heart glycogen synthase deficiency. Last evaluated: 2022-08-16. Review status: criteria provided, single submitter. Criteria: Invitae Variant Classification Sherloc (09022015). Collection method: clinical testing. Allele origin: germline.
Comment: This sequence change replaces arginine, which is basic and polar, with glutamine, which is neutral and polar, at codon 348 of the GYS1 protein (p.Arg348Gln). This variant is present in population databases (rs767829857, gnomAD 0.006%). This variant has not been reported in the literature in individuals affected with GYS1-related conditions. ClinVar contains an entry for this variant (Variation ID: 1514182). Algorithms developed to predict the effect of missense changes on protein structure and function are either unavailable or do not agree on the potential impact of this missense change (SIFT: "Deleterious"; PolyPhen-2: "Probably Damaging"; Align-GVGD: "Class C0"). In summary, the available evidence is currently insufficient to determine the role of this variant in disease. Therefore, it has been classified as a Variant of Uncertain Significance.

NM_002103.5(GYS1):c.1043G>A (p.Arg348Gln)

Gene: GYS1 (glycogen synthase 1; minus strand). Cytogenetic location: 19q13.33.
Variant type: single nucleotide variant.
Coding change: c.1043G>A on transcript NM_002103.5 (MANE Select); coding-DNA position 1043, G replaced by A.
Protein change: p.Arg348Gln; replaces arginine 348 with glutamine.
Molecular consequence: missense variant. On other transcripts: non-coding transcript variant (1).
Genome position (GRCh38, 1-based): chr19:48,982,274, C>T on the plus strand (G>A on the coding strand, the complement: GYS1 is on the minus strand). VCF-style: chr19-48982274-C-T. GRCh37 (hg19) VCF-style: chr19-49485531-C-T.
Other names: c.1043G>A (NM_002103.4); c.851G>A, p.Arg284Gln (NM_001161587.2); short protein forms R284Q, R348Q.
Identifiers: ClinVar variation 1514182 (VCV001514182.6), dbSNP rs767829857, ClinGen allele CA9563130.
Genomic context (GRCh38, chr19:48,982,274, plus strand): 5'-CTTTGCTTGCCCTCCCTGTCCCCTCATAGCCCAGGCCTCACTCTGAGCAGATAGTTGAGC[C>T]GAGCCAATGCCTCCAGGAAGACGTCAGCACCCTTGTTGGAGAACTCATAGCGGCCGGCGA-3'
Protein context (NP_002094.2, residues 338-358): GADVFLEALA[Arg348Gln]LNYLLRVNGS